The following is an entry in ClinVar:

NM_024596.5(MCPH1):c.497T>A (p.Ile166Asn)

Gene: MCPH1 (microcephalin 1; plus strand). Cytogenetic location: 8p23.1.
Variant type: single nucleotide variant.
Coding change: c.497T>A on transcript NM_024596.5 (MANE Select); coding-DNA position 497, T replaced by A.
Protein change: p.Ile166Asn; replaces isoleucine 166 with asparagine.
Molecular consequence: missense variant. On other transcripts: non-coding transcript variant (1), intron variant (1).
Genome position (GRCh38, 1-based): chr8:6,439,013, T>A. VCF-style: chr8-6439013-T-A. GRCh37 (hg19) VCF-style: chr8-6296534-T-A.
Other names: c.436+2851T>A (NM_001172575.2); c.497T>A, p.Ile166Asn (NM_001172574.2, NM_001322042.2, NM_001363979.1 and 1 more transcripts); c.491T>A, p.Ile164Asn (NM_001322043.2); c.395T>A, p.Ile132Asn (NM_001322045.2); short protein forms I132N, I164N, I166N.
Identifiers: ClinVar variation 1376884 (VCV001376884.6), dbSNP rs765620307, ClinGen allele CA370218417.

ClinVar aggregate classification (germline): Uncertain significance (1 of 4 stars; one submission).

Submission:

Labcorp Genetics (formerly Invitae), Labcorp
Classification: Uncertain significance. Last evaluated: 2021-09-10. Review status: criteria provided, single submitter. Criteria: Invitae Variant Classification Sherloc (09022015). Collection method: clinical testing. Allele origin: germline.
Comment: This sequence change replaces isoleucine with asparagine at codon 166 of the MCPH1 protein (p.Ile166Asn). The isoleucine residue is weakly conserved and there is a large physicochemical difference between isoleucine and asparagine. In summary, the available evidence is currently insufficient to determine the role of this variant in disease. Therefore, it has been classified as a Variant of Uncertain Significance. Algorithms developed to predict the effect of missense changes on protein structure and function output the following: SIFT: "Not Available"; PolyPhen-2: "Benign"; Align-GVGD: "Not Available". The asparagine amino acid residue is found in multiple mammalian species, which suggests that this missense change does not adversely affect protein function. This variant has not been reported in the literature in individuals affected with MCPH1-related conditions. This variant is not present in population databases (ExAC no frequency).